The following is an entry in ClinVar:

ClinVar aggregate classification (germline): Pathogenic (1 of 4 stars; one submission).

Conditions:
Pulmonary hypertension, primary, 1 (PPH1). Also called: Pulmonary hypertension, familial primary, 1, with or without HHT. Identifiers: Orphanet 422, MedGen C4552070, MONDO:0024533, OMIM 178600.

Submission:

Pharmacogenomics Laboratory, Instituto de Medicina Experimental, CONICET-Academia Nacional de Medicina
Classification: Pathogenic for Pulmonary hypertension, primary, 1. Last evaluated: 2023-12-12. Review status: criteria provided, single submitter. Criteria: ACMG Guidelines, 2015. Collection method: research. Allele origin: germline. Inheritance: Autosomal dominant inheritance. Affected: yes. Observed: 2 variant alleles, 2 heterozygotes. Clinical features observed: Pulmonary arterial hypertension (HP:0002092).
Comment: The c.663del (p.Leu222Trpfs*8) is a null variant (frameshift) in BMPR2. The variant was not reported in the gnomAD population database. Therefore, the variant meets the ACMG criteria to be classified as pathogenic.

NM_001204.7(BMPR2):c.663del (p.Leu222fs)

Gene: BMPR2 (bone morphogenetic protein receptor type 2; plus strand). Cytogenetic location: 2q33.2.
Variant type: Deletion.
Coding change: c.663del on transcript NM_001204.7 (MANE Select); coding-DNA position 663, one base deleted (C; older notation c.663delC).
Protein change: p.Leu222fs; shifts the reading frame from leucine 222.
Molecular consequence: frameshift variant.
Genome position (GRCh38, 1-based): chr2:202,518,863, C deleted; the last of 2 consecutive C bases (chr2:202,518,862-202,518,863); deleting either gives the same sequence. VCF-style (leftmost placement, unchanged base first): chr2-202518861-TC-T. GRCh37 (hg19) VCF-style: chr2-203383584-TC-T.
Other names: short protein forms L222fs.
Identifiers: ClinVar variation 3242570 (VCV003242570.1), dbSNP rs2469737388.